The following is an entry in ClinVar:

NM_000260.4(MYO7A):c.3504-1G>A

Gene: MYO7A (myosin VIIA; plus strand). Cytogenetic location: 11q13.5.
Variant type: single nucleotide variant.
Coding change: c.3504-1G>A on transcript NM_000260.4 (MANE Select); the canonical splice acceptor site of the intron before coding-DNA position 3504, G replaced by A.
Molecular consequence: splice acceptor variant.
Genome position (GRCh38, 1-based): chr11:77,189,343, G>A. VCF-style: chr11-77189343-G-A. GRCh37 (hg19) VCF-style: chr11-76900388-G-A.
Other names: c.3471-1G>A (NM_001369365.1); c.3504-1G>A (NM_001127180.2).
Identifiers: ClinVar variation 2503064 (VCV002503064.4), dbSNP rs1555090171, ClinGen allele CA381946815.

ClinVar aggregate classification (germline): Pathogenic/Likely pathogenic. Review status: criteria provided, multiple submitters, no conflicts (2 of 4 stars). 2 submissions from 2 submitters: Pathogenic (1); Likely pathogenic (1). Last evaluated 2024-02-08.

Conditions:
Usher syndrome. Also called: Usher Syndromes; Usher's syndrome. Identifiers: Orphanet 886, MedGen CN469326, MeSH D052245, MONDO:0019501. Disease mechanism: loss of function.

Submissions (2):

Labcorp Genetics (formerly Invitae), Labcorp
Classification: Pathogenic. Last evaluated: 2024-02-08. Review status: criteria provided, single submitter. Criteria: Invitae Variant Classification Sherloc (09022015). Collection method: clinical testing. Allele origin: germline.
Comment: This sequence change affects an acceptor splice site in intron 27 of the MYO7A gene. It is expected to disrupt RNA splicing. Variants that disrupt the donor or acceptor splice site typically lead to a loss of protein function (PMID: 16199547), and loss-of-function variants in MYO7A are known to be pathogenic (PMID: 8900236, 25404053). This variant is not present in population databases (gnomAD no frequency). Disruption of this splice site has been observed in individual(s) with Usher syndrome (PMID: 28559085). In at least one individual the data is consistent with being in trans (on the opposite chromosome) from a pathogenic variant. ClinVar contains an entry for this variant (Variation ID: 2503064). Algorithms developed to predict the effect of sequence changes on RNA splicing suggest that this variant may disrupt the consensus splice site. For these reasons, this variant has been classified as Pathogenic.

SN ONGC Dept of Genetics and Molecular biology Vision Research Foundation
Classification: Likely pathogenic for Usher syndrome. Last evaluated: 2022-12-31. Review status: criteria provided, single submitter. Criteria: ACMG Guidelines, 2015. Collection method: research. Allele origin: unknown. Affected: yes. Observed: 1 variant allele, 1 homozygote.

Literature cited by the submitters: PubMed 16199547 (cited by Labcorp Genetics (formerly Invitae), Labcorp); PubMed 8900236 (cited by Labcorp Genetics (formerly Invitae), Labcorp); PubMed 25404053 (cited by Labcorp Genetics (formerly Invitae), Labcorp); PubMed 28559085 (cited by Labcorp Genetics (formerly Invitae), Labcorp).